The following is an entry in ClinVar:

NM_001018005.2(TPM1):c.267C>G (p.Asn89Lys)

Gene: TPM1 (tropomyosin 1; plus strand). Cytogenetic location: 15q22.2.
Variant type: single nucleotide variant.
Coding change: c.267C>G on transcript NM_001018005.2 (MANE Select); coding-DNA position 267, C replaced by G.
Protein change: p.Asn89Lys; replaces asparagine 89 with lysine.
Molecular consequence: missense variant.
Genome position (GRCh38, 1-based): chr15:63,057,011, C>G. VCF-style: chr15-63057011-C-G. GRCh37 (hg19) VCF-style: chr15-63349210-C-G.
Other names: c.267C>G, p.Asn89Lys (NM_000366.6, NM_001018004.2, NM_001018006.2 and 6 more transcripts); c.159C>G, p.Asn53Lys (NM_001018008.2, NM_001301289.2, NM_001330344.2 and 5 more transcripts); c.393C>G, p.Asn131Lys (NM_001365778.1); short protein forms N89K, N131K, N53K.
Identifiers: ClinVar variation 426179 (VCV000426179.11), dbSNP rs1085307487, ClinGen allele CA392720679.

ClinVar aggregate classification (germline): Uncertain significance. Review status: criteria provided, multiple submitters, no conflicts (2 of 4 stars). 3 submissions from 3 submitters: Uncertain significance (3). Last evaluated 2023-05-18.

Conditions:
Hypertrophic cardiomyopathy. Also called: HYPERTROPHIC MYOCARDIOPATHY. Identifiers: Orphanet 217569, MedGen C0007194, MeSH D002312, MONDO:0005045, HP:0001639.
Cardiovascular phenotype. Identifiers: MedGen CN230736.

Submissions (3):

Ambry Genetics
Classification: Uncertain significance for Cardiovascular phenotype. Last evaluated: 2023-05-18. Review status: criteria provided, single submitter. Criteria: Ambry Variant Classification Scheme 2023. Collection method: clinical testing. Allele origin: germline.
Comment: The p.N89K variant (also known as c.267C>G), located in coding exon 3 of the TPM1 gene, results from a C to G substitution at nucleotide position 267. The asparagine at codon 89 is replaced by lysine, an amino acid with similar properties. This amino acid position is conserved. In addition, this alteration is predicted to be deleterious by in silico analysis. Since supporting evidence is limited at this time, the clinical significance of this alteration remains unclear.

Labcorp Genetics (formerly Invitae), Labcorp
Classification: Uncertain significance for Hypertrophic cardiomyopathy. Last evaluated: 2022-11-07. Review status: criteria provided, single submitter. Criteria: Invitae Variant Classification Sherloc (09022015). Collection method: clinical testing. Allele origin: germline.
Comment: This sequence change replaces asparagine, which is neutral and polar, with lysine, which is basic and polar, at codon 89 of the TPM1 protein (p.Asn89Lys). This variant is not present in population databases (gnomAD no frequency). This variant has not been reported in the literature in individuals affected with TPM1-related conditions. ClinVar contains an entry for this variant (Variation ID: 426179). Algorithms developed to predict the effect of missense changes on protein structure and function are either unavailable or do not agree on the potential impact of this missense change (SIFT: "Tolerated"; PolyPhen-2: "Probably Damaging"; Align-GVGD: "Class C0"). In summary, the available evidence is currently insufficient to determine the role of this variant in disease. Therefore, it has been classified as a Variant of Uncertain Significance.

GeneDx
Classification: Uncertain significance. Last evaluated: 2017-04-27. Review status: criteria provided, single submitter. Criteria: GeneDx Variant Classification (06012015). Collection method: clinical testing. Allele origin: germline. Affected: yes.
Comment: The N89K variant has not been published as pathogenic or been reported as benign to our knowledge. The N89K variant is not observed in large population cohorts (Lek et al., 2016; 1000 Genomes Consortium et al., 2015; Exome Variant Server). The N89K variant is a semi-conservative amino acid substitution, which may impact secondary protein structure as these residues differ in some properties. This substitution occurs at a position that is conserved across species, and in silico analysis predicts this variant is probably damaging to the protein structure/function. Furthermore, missense variants in nearby residues (D84N, V85I, L88M, I92T, V95A) have been reported in the Human Gene Mutation Database in association with cardiomyopathy (Stenson et al., 2014), and/or reported as likely pathogenic/pathogenic by at least one clinical laboratory.